The following is an entry in ClinVar:

ClinVar aggregate classification (germline): Likely benign. Review status: criteria provided, multiple submitters, no conflicts (2 of 4 stars). 2 submissions from 2 submitters: Likely benign (2). Last evaluated 2026-04-01.

Allele frequency attached by ClinVar (database versions not stated): 1000 Genomes Project 30x 0.00016; 1000 Genomes Project 0.00020; gnomAD 0.00032; TOPMed 0.00068; ExAC 0.00080; ESP Exome Variant Server 0.00138.
gnomAD v4.1: 1,577 of 1,526,112 alleles (0.1%); highest among the groups gnomAD compares: Non-Finnish European, 0.13%; 1 homozygote.

Submissions (2):

CeGaT Center for Human Genetics Tuebingen
Classification: Likely benign. Last evaluated: 2026-04-01. Review status: criteria provided, single submitter. Criteria: CeGaT Center For Human Genetics Tuebingen Variant Classification Criteria Version 2. Collection method: clinical testing. Allele origin: germline. Affected: yes. Observed: 3 variant alleles.
Comment: PLEKHG2: BP4, BP7

Labcorp Genetics (formerly Invitae), Labcorp
Classification: Likely benign. Last evaluated: 2025-12-27. Review status: criteria provided, single submitter. Criteria: Invitae Variant Classification Sherloc (09022015). Collection method: clinical testing. Allele origin: germline.

NM_022835.3(PLEKHG2):c.1722G>T (p.Val574=)

Gene: PLEKHG2 (pleckstrin homology and RhoGEF domain containing G2; plus strand). Cytogenetic location: 19q13.2.
Variant type: single nucleotide variant.
Coding change: c.1722G>T on transcript NM_022835.3 (MANE Select); coding-DNA position 1722, G replaced by T.
Protein change: p.Val574=; no amino-acid change (valine 574 retained).
Molecular consequence: synonymous variant. On other transcripts: intron variant (1).
Genome position (GRCh38, 1-based): chr19:39,422,776, G>T. VCF-style: chr19-39422776-G-T. GRCh37 (hg19) VCF-style: chr19-39913416-G-T.
Other names: c.1545G>T, p.Val515= (NM_001351693.2); c.1677+488G>T (NM_001351694.2).
Identifiers: ClinVar variation 726286 (VCV000726286.24), dbSNP rs149499627, ClinGen allele CA9429637.